The following is an entry in ClinVar:

ClinVar aggregate classification (germline): Conflicting classifications of pathogenicity. Review status: criteria provided, conflicting classifications (1 of 4 stars). 3 submissions from 3 submitters: Uncertain significance (1); Likely benign (2). Last evaluated 2025-04-26.

Conditions:
UNC45B-related disorder. Also called: UNC45B-related condition.
Inborn genetic diseases. Identifiers: MedGen C0950123, MeSH D030342.

Allele frequency attached by ClinVar (database versions not stated): gnomAD 0.00003 and 0.00010; TOPMed 0.00005; gnomAD exomes 0.00022 and 0.00030; ExAC 0.00029; 1000 Genomes Project 30x 0.00031; 1000 Genomes Project 0.00040.

Submissions (3):

PreventionGenetics, part of Exact Sciences
Classification: Likely benign for UNC45B-related condition. Last evaluated: 2025-04-26. Review status: criteria provided, single submitter. Criteria: ACMG Guidelines, 2015. Collection method: clinical testing. Allele origin: germline.
Comment: This variant is classified as likely benign based on ACMG/AMP sequence variant interpretation guidelines (Richards et al. 2015 PMID: 25741868, with internal and published modifications).

Labcorp Genetics (formerly Invitae), Labcorp
Classification: Likely benign. Last evaluated: 2024-03-06. Review status: criteria provided, single submitter. Criteria: Invitae Variant Classification Sherloc (09022015). Collection method: clinical testing. Allele origin: germline.

Ambry Genetics
Classification: Uncertain significance for Hereditary disease. Last evaluated: 2015-05-30. Review status: criteria provided, single submitter. Criteria: ambry_reporting_categories_2017. Collection method: clinical testing. Allele origin: germline. Affected: yes. Observed: 1 homozygote. Segregation with disease observed.
Comment: Lines of evidence used in support of classification: LIKELY POSITIVE: Relevant Alteration(s) Detected

Literature cited by the submitters: PubMed 17189627 (cited by Ambry Genetics); PubMed 24549050 (cited by Ambry Genetics); PubMed 17586488 (cited by Ambry Genetics); PubMed 19854944 (cited by Ambry Genetics); PubMed 19834024 (cited by Ambry Genetics); PubMed 19504455 (cited by Ambry Genetics); PubMed 19348700 (cited by Ambry Genetics); PubMed 12356907 (cited by Ambry Genetics); PubMed 25348405 (cited by Ambry Genetics); PubMed 2981587 (cited by Ambry Genetics).

NM_001267052.2(UNC45B):c.2333C>T (p.Ala778Val)

Gene: UNC45B (unc-45 myosin chaperone B; plus strand). Cytogenetic location: 17q12.
Variant type: single nucleotide variant.
Coding change: c.2333C>T on transcript NM_001267052.2 (MANE Select); coding-DNA position 2333, C replaced by T.
Protein change: p.Ala778Val; replaces alanine 778 with valine.
Molecular consequence: missense variant.
Genome position (GRCh38, 1-based): chr17:35,180,636, C>T. VCF-style: chr17-35180636-C-T. GRCh37 (hg19) VCF-style: chr17-33507655-C-T.
Other names: c.2333C>T, p.Ala778Val (NM_001033576.2); c.2096C>T, p.Ala699Val (NM_001308281.1); c.2339C>T, p.Ala780Val (NM_173167.3); short protein forms A780V, A778V, A699V.
Identifiers: ClinVar variation 520686 (VCV000520686.9), dbSNP rs577155361, ClinGen allele CA8501478.